The following is an entry in ClinVar:

NM_001256071.3(RNF213):c.12283C>G (p.Leu4095Val)

Genes: RNF213 (ring finger protein 213; plus strand), RNF213-AS1 (RNF213 antisense RNA 1; minus strand). Cytogenetic location: 17q25.3.
Variant type: single nucleotide variant.
Coding change: c.12283C>G on transcript NM_001256071.3 (MANE Select); coding-DNA position 12283, C replaced by G.
Protein change: p.Leu4095Val; replaces leucine 4095 with valine.
Molecular consequence: missense variant.
Genome position (GRCh38, 1-based): chr17:80,369,629, C>G. VCF-style: chr17-80369629-C-G. GRCh37 (hg19) VCF-style: chr17-78343429-C-G.
Other names: c.12430C>G, p.Leu4144Val (NM_001410195.1, NM_020914.5); short protein forms L4095V, L4144V.
Identifiers: ClinVar variation 5017454 (VCV005017454.1).
Genomic context (GRCh38, chr17:80,369,629, plus strand): 5'-ACCATTTGCTTCAAGGACAACGCTCCGCCTGAGAAGGAAGTGATTGAGAGCCTGCTCTCT[C>G]TCCTCTTCGTCCAAAAGGGGCGCTTAAGAGATGCTGCCCAGAGTAGGTTGCTTTCTTCCT-3'
Protein context (NP_001243000.2, residues 4085-4105): EKEVIESLLS[Leu4095Val]LFVQKGRLRD

ClinVar aggregate classification (germline): Uncertain significance (1 of 4 stars; one submission).

Submission:

GeneDx
Classification: Uncertain significance. Last evaluated: 2026-03-24. Review status: criteria provided, single submitter. Criteria: GeneDx Variant Classification Process June 2021. Collection method: clinical testing. Allele origin: germline.
Comment: Not observed at significant frequency in large population cohorts (gnomAD); In silico analysis suggests that this missense variant does not alter protein structure/function; Has not been previously published as pathogenic or benign to our knowledge